The following is an entry in ClinVar:

NM_006517.5(SLC16A2):c.1400-1G>C

Gene: SLC16A2 (solute carrier family 16 member 2; plus strand). Cytogenetic location: Xq13.2.
Variant type: single nucleotide variant.
Coding change: c.1400-1G>C on transcript NM_006517.5 (MANE Select); the canonical splice acceptor site of the intron before coding-DNA position 1400, G replaced by C.
Molecular consequence: splice acceptor variant.
Genome position (GRCh38, 1-based): chrX:74,531,332, G>C. VCF-style: chrX-74531332-G-C. GRCh37 (hg19) VCF-style: chrX-73751167-G-C.
Identifiers: ClinVar variation 3254605 (VCV003254605.4), dbSNP rs2519810008.
Genomic context (GRCh38, chrX:74,531,332, plus strand): 5'-GAGAGTACCTTTGGACAGTAGGGCAAAGCTGAGCTTGACTTGTCTCTCTTGACTGTTTCA[G>C]GCCTACTCCGCAACTGTTTTGGGGACTACCATGTGGCCTTCTACTTTGCCGGTGTGCCCC-3'

ClinVar aggregate classification (germline): Likely pathogenic (1 of 4 stars; one submission).

Conditions:
Allan-Herndon-Dudley syndrome (AHDS). Also called: ALLAN-HERNDON SYNDROME; MENTAL RETARDATION AND MUSCULAR ATROPHY; T3 RESISTANCE; TRIIODOTHYRONINE RESISTANCE; Passos-Bueno syndrome. Identifiers: Orphanet 59, MedGen C0795889, MONDO:0010354, OMIM 300523.

Submission:

Victorian Clinical Genetics Services, Murdoch Childrens Research Institute
Classification: Likely pathogenic for Allan-Herndon-Dudley syndrome. Last evaluated: 2025-08-06. Review status: criteria provided, single submitter. Criteria: ACMG Guidelines, 2015. Collection method: clinical testing. Allele origin: germline.
Comment: This variant is classified as Likely pathogenic. Evidence in support of pathogenic classification: Canonical splice site variant without proven consequence on splicing (no functional evidence available); Variant is absent from gnomAD (v2, v3 and v4); Abnormal splicing is predicted by in silico tool and affected nucleotide is highly conserved. Additional information: This variant is heterozygous; This gene is associated with X-linked disease. Heterozygous females may develop a mild thyroid phenotype or the full presentation of this condition (PMIDs: 40369875, 40420837, 38345890, 35782622, 18398436); This variant has no previous evidence of pathogenicity; No published segregation evidence has been identified for this variant; No published functional evidence has been identified for this variant; No comparable splice variants have previous evidence for pathogenicity; Loss of function is a known mechanism of disease in this gene and is associated with Allan-Herndon-Dudley syndrome (MIM#300523).

Literature cited by the submitters: PubMed 18398436; PubMed 40369875; PubMed 40420837; PubMed 35782622; PubMed 38345890.